The following is an entry in ClinVar:

ClinVar aggregate classification (germline): Uncertain significance (1 of 4 stars; one submission).

Conditions:
6-Pyruvoyl-tetrahydrobiopterin synthase deficiency. Also called: 6-Pyruvoyltetrahydropterin Synthase Deficiency; HYPERPHENYLALANINEMIA, TETRAHYDROBIOPTERIN-DEFICIENT, DUE TO PTS DEFICIENCY; Hyperphenylalanemia, BH4-deficient, A; Hyperphenylalaninemia due to 6-pyruvoyl-tetrahydropterin synthase deficiency; PTS-Related Tetrahydrobiopterin Deficiency; BH4-deficient hyperphenylalaninemia A. Identifiers: Orphanet 13, Orphanet 238583, MedGen C0878676, MONDO:0009863, OMIM 261640.

Allele frequency attached by ClinVar (database versions not stated): gnomAD 0.00001; gnomAD exomes 0.00001; TOPMed 0.00001.
gnomAD v4.1: 5 of 1,586,550 alleles (0.00032%); highest among the groups gnomAD compares: Non-Finnish European, 0.00043%; no homozygotes.

Submission:

Labcorp Genetics (formerly Invitae), Labcorp
Classification: Uncertain significance for 6-Pyruvoyl-tetrahydrobiopterin synthase deficiency. Last evaluated: 2022-08-10. Review status: criteria provided, single submitter. Criteria: Invitae Variant Classification Sherloc (09022015). Collection method: clinical testing. Allele origin: germline.
Comment: This sequence change replaces arginine, which is basic and polar, with histidine, which is basic and polar, at codon 16 of the PTS protein (p.Arg16His). The frequency data for this variant in the population databases is considered unreliable, as metrics indicate poor data quality at this position in the gnomAD database. This variant has not been reported in the literature in individuals affected with PTS-related conditions. Algorithms developed to predict the effect of missense changes on protein structure and function are either unavailable or do not agree on the potential impact of this missense change (SIFT: "Deleterious"; PolyPhen-2: "Probably Damaging"; Align-GVGD: "Class C0"). In summary, the available evidence is currently insufficient to determine the role of this variant in disease. Therefore, it has been classified as a Variant of Uncertain Significance.

NM_000317.3(PTS):c.47G>A (p.Arg16His)

Genes: PTS (6-pyruvoyltetrahydropterin synthase; plus strand), LOC130006765 (ATAC-STARR-seq lymphoblastoid silent region 3906; plus strand). Cytogenetic location: 11q23.1.
Variant type: single nucleotide variant.
Coding change: c.47G>A on transcript NM_000317.3 (MANE Select); coding-DNA position 47, G replaced by A.
Protein change: p.Arg16His; replaces arginine 16 with histidine.
Molecular consequence: missense variant.
Genome position (GRCh38, 1-based): chr11:112,226,490, G>A. VCF-style: chr11-112226490-G-A. GRCh37 (hg19) VCF-style: chr11-112097213-G-A.
Other names: short protein forms R16H.
Identifiers: ClinVar variation 2046344 (VCV002046344.1), dbSNP rs1222623614, ClinGen allele CA382626459.